The following is an entry in ClinVar:

ClinVar aggregate classification (germline): Likely benign. Review status: criteria provided, multiple submitters, no conflicts (2 of 4 stars). 6 submissions from 6 submitters: Likely benign (6). Last evaluated 2026-01-14.

Conditions:
MYH11-related disorder. Also called: MYH11-related condition.
Familial thoracic aortic aneurysm and aortic dissection (TAAD). Also called: Thoracic aortic aneurysms and dissections. Identifiers: Orphanet 91387, MedGen C4707243, MONDO:0019625.
Aortic aneurysm, familial thoracic 4 (AAT4). Also called: AORTIC ANEURYSM/AORTIC DISSECTION AND PATENT DUCTUS ARTERIOSUS. Identifiers: MedGen C1851504, MONDO:0007568, OMIM 132900.

Allele frequency attached by ClinVar (database versions not stated): gnomAD exomes 0.00003 and 0.00009; ExAC 0.00012; gnomAD 0.00021; TOPMed 0.00022; 1000 Genomes Project 30x 0.00031; ESP Exome Variant Server 0.00031; 1000 Genomes Project 0.00040.
gnomAD v4.1: 81 of 1,614,098 alleles (0.005%); highest among the groups gnomAD compares: African/African-American, 0.069%; no homozygotes.

Submissions (6):

Labcorp Genetics (formerly Invitae), Labcorp
Classification: Likely benign for Aortic aneurysm, familial thoracic 4. Last evaluated: 2026-01-14. Review status: criteria provided, single submitter. Criteria: Invitae Variant Classification Sherloc (09022015). Collection method: clinical testing. Allele origin: germline.

PreventionGenetics, part of Exact Sciences
Classification: Likely benign for MYH11-related condition. Last evaluated: 2025-03-19. Review status: criteria provided, single submitter. Criteria: ACMG Guidelines, 2015. Collection method: clinical testing. Allele origin: germline.
Comment: This variant is classified as likely benign based on ACMG/AMP sequence variant interpretation guidelines (Richards et al. 2015 PMID: 25741868, with internal and published modifications).

All of Us Research Program, National Institutes of Health
Classification: Likely benign for Familial thoracic aortic aneurysm and aortic dissection. Last evaluated: 2023-12-18. Review status: criteria provided, single submitter. Criteria: ACMG Guidelines, 2015. Collection method: clinical testing. Allele origin: germline. Inheritance: Autosomal dominant inheritance. Observed: 13 variant alleles, 13 heterozygotes.
Comment: This study involves interpretation of variants in research participants for the purpose of population health screening. Participant phenotype was not available at the time of variant classification. Additional details can be found in publication PMID: 35346344, PMCID: PMC8962531

Ambry Genetics
Classification: Likely benign for Familial thoracic aortic aneurysm and aortic dissection. Last evaluated: 2021-04-22. Review status: criteria provided, single submitter. Criteria: Ambry Variant Classification Scheme 2023. Collection method: clinical testing. Allele origin: germline.

GeneDx
Classification: Likely benign. Last evaluated: 2020-03-27. Review status: criteria provided, single submitter. Criteria: GeneDx Variant Classification Process June 2021. Collection method: clinical testing. Allele origin: germline. Affected: yes.
Comment: Has not been previously published as pathogenic or benign to our knowledge

Color Diagnostics, LLC DBA Color Health
Classification: Likely benign for Familial thoracic aortic aneurysm and aortic dissection. Last evaluated: 2018-11-08. Review status: criteria provided, single submitter. Criteria: ACMG Guidelines, 2015. Collection method: clinical testing. Allele origin: germline.

NM_002474.3(MYH11):c.4533C>T (p.Ala1511=)

Genes: MYH11 (myosin heavy chain 11; minus strand), NDE1 (nudE neurodevelopment protein 1; plus strand). Cytogenetic location: 16p13.11.
Variant type: single nucleotide variant.
Coding change: c.4533C>T on transcript NM_002474.3 (MANE Select); coding-DNA position 4533, C replaced by T.
Protein change: p.Ala1511=; no amino-acid change (alanine 1511 retained).
Molecular consequence: synonymous variant. On other transcripts: intron variant (2).
Genome position (GRCh38, 1-based): chr16:15,721,467, G>A on the plus strand (C>T on the coding strand, the complement: MYH11 is on the minus strand). VCF-style: chr16-15721467-G-A. GRCh37 (hg19) VCF-style: chr16-15815324-G-A.
Other names: c.4554C>T, p.Ala1518= (NM_001040113.2, NM_001040114.2); c.4533C>T, p.Ala1511= (NM_022844.3); c.948-2724G>A (NM_001143979.2, NM_017668.3).
Identifiers: ClinVar variation 465735 (VCV000465735.20), dbSNP rs181548582, ClinGen allele CA7921649.